The following is an entry in ClinVar:

NM_001378457.1(DMXL2):c.2982G>A (p.Thr994=)

Gene: DMXL2 (Dmx like 2; minus strand). Cytogenetic location: 15q21.2.
Variant type: single nucleotide variant.
Coding change: c.2982G>A on transcript NM_001378457.1 (MANE Select); coding-DNA position 2982, G replaced by A.
Protein change: p.Thr994=; no amino-acid change (threonine 994 retained).
Molecular consequence: synonymous variant. On other transcripts: non-coding transcript variant (2), intron variant (2).
Genome position (GRCh38, 1-based): chr15:51,502,816, C>T on the plus strand (G>A on the coding strand, the complement: DMXL2 is on the minus strand). VCF-style: chr15-51502816-C-T. GRCh37 (hg19) VCF-style: chr15-51795013-C-T.
Other names: c.2982G>A, p.Thr994= (NM_001174116.3, NM_001378458.1, NM_001378459.1 and 4 more transcripts); c.2742G>A, p.Thr914= (NM_001378464.1); c.2764+4318G>A (NM_001378460.1, NM_001174117.3).
Identifiers: ClinVar variation 1935950 (VCV001935950.27), dbSNP rs749088846, ClinGen allele CA7562224.
Genomic context (GRCh38, chr15:51,502,816, plus strand): 5'-TATATTTTATCACTCTGAGCTACCACTGCCCAGTCTTAAAGTGACCTTACCTGCTGAAGG[C>T]GTTGCTCTTATTACTTCAACTGATTCTGGGAGATCAAGGGGTTGGCTATACACCAGTCTA-3'
Protein context (NP_001365386.1, residues 984-1004): LPESVEVIRA[Thr994=]PSAGHLSSSS

ClinVar aggregate classification (germline): Likely benign. Review status: criteria provided, multiple submitters, no conflicts (2 of 4 stars). 2 submissions from 2 submitters: Likely benign (2). Last evaluated 2026-01-12.

Allele frequency attached by ClinVar (database versions not stated): ExAC 0.00002; gnomAD 0.00002; gnomAD exomes 0.00002; TOPMed 0.00003.
gnomAD v4.1: 29 of 1,613,412 alleles (0.0018%); highest among the groups gnomAD compares: African/African-American, 0.0027%; no homozygotes.

Submissions (2):

Labcorp Genetics (formerly Invitae), Labcorp
Classification: Likely benign. Last evaluated: 2026-01-12. Review status: criteria provided, single submitter. Criteria: Invitae Variant Classification Sherloc (09022015). Collection method: clinical testing. Allele origin: germline.

CeGaT Center for Human Genetics Tuebingen
Classification: Likely benign. Last evaluated: 2024-01-01. Review status: criteria provided, single submitter. Criteria: CeGaT Center For Human Genetics Tuebingen Variant Classification Criteria Version 2. Collection method: clinical testing. Allele origin: germline. Affected: yes. Observed: 1 variant allele.
Comment: DMXL2: BP4, BP7